The following is an entry in ClinVar:

NM_012062.5(DNM1L):c.370-163A>G

Gene: DNM1L (dynamin 1 like; plus strand). Cytogenetic location: 12p11.21.
Variant type: single nucleotide variant.
Coding change: c.370-163A>G on transcript NM_012062.5 (MANE Select); 163 bases into the intron before coding-DNA position 370, A replaced by G.
Molecular consequence: intron variant.
Genome position (GRCh38, 1-based): chr12:32,710,766, A>G. VCF-style: chr12-32710766-A-G. GRCh37 (hg19) VCF-style: chr12-32863700-A-G.
Other names: c.409-163A>G (NM_001278464.2, NM_001278465.2, NM_001330380.2); c.131+3353A>G (NM_001278466.2); c.370-163A>G (NM_001278463.2, NM_012063.4, NM_005690.5).
Identifiers: ClinVar variation 678685 (VCV000678685.1), dbSNP rs12816245, ClinGen allele CA235240891.

ClinVar aggregate classification (germline): Benign (1 of 4 stars; one submission).

Allele frequency attached by ClinVar (database versions not stated): 1000 Genomes Project 0.01418; 1000 Genomes Project 30x 0.01452; TOPMed 0.02772; gnomAD 0.02869 and 0.02941.
gnomAD v4.1: 4,396 of 152,284 alleles (2.9%); highest among the groups gnomAD compares: Middle Eastern, 5.8%; 112 homozygotes.

Submission:

GeneDx
Classification: Benign. Last evaluated: 2018-06-16. Review status: criteria provided, single submitter. Criteria: GeneDx Variant Classification (06012015). Collection method: clinical testing. Allele origin: germline. Affected: yes.
Comment: This variant is considered likely benign or benign based on one or more of the following criteria: it is a conservative change, it occurs at a poorly conserved position in the protein, it is predicted to be benign by multiple in silico algorithms, and/or has population frequency not consistent with disease.